The following is an entry in ClinVar:

ClinVar aggregate classification (germline): Uncertain significance (1 of 4 stars; one submission).

Conditions:
Singleton-Merten syndrome 1 (SGMRT1). Also called: Widened medullary cavities of bone, aortic calcification, abnormal dentition, and muscular weakness; Syndrome of widened medullary cavities of the metacarpals and phalanges, aortic calcification and abnormal dentition. Identifiers: Orphanet 85191, MedGen C4225427, MONDO:0024535, OMIM 182250.
Aicardi-Goutieres syndrome 7 (AGS7). Identifiers: Orphanet 51, MedGen C3888244, MONDO:0014367, OMIM 615846.

Submission:

Labcorp Genetics (formerly Invitae), Labcorp
Classification: Uncertain significance for Aicardi-Goutieres syndrome 7; Singleton-Merten syndrome 1. Last evaluated: 2025-05-09. Review status: criteria provided, single submitter. Criteria: Invitae Variant Classification Sherloc (09022015). Collection method: clinical testing. Allele origin: germline.
Comment: This sequence change replaces glycine, which is neutral and non-polar, with serine, which is neutral and polar, at codon 837 of the IFIH1 protein (p.Gly837Ser). This variant is not present in population databases (gnomAD no frequency). This variant has not been reported in the literature in individuals affected with IFIH1-related conditions. An algorithm developed to predict the effect of missense changes on protein structure and function outputs the following: PolyPhen-2: "Benign". The serine amino acid residue is found in multiple mammalian species, which suggests that this missense change does not adversely affect protein function. In summary, the available evidence is currently insufficient to determine the role of this variant in disease. Therefore, it has been classified as a Variant of Uncertain Significance.

NM_022168.4(IFIH1):c.2509G>A (p.Gly837Ser)

Gene: IFIH1 (interferon induced with helicase C domain 1; minus strand). Cytogenetic location: 2q24.2.
Variant type: single nucleotide variant.
Coding change: c.2509G>A on transcript NM_022168.4 (MANE Select); coding-DNA position 2509, G replaced by A.
Protein change: p.Gly837Ser; replaces glycine 837 with serine.
Molecular consequence: missense variant.
Genome position (GRCh38, 1-based): chr2:162,272,333, C>T on the plus strand (G>A on the coding strand, the complement: IFIH1 is on the minus strand). VCF-style: chr2-162272333-C-T. GRCh37 (hg19) VCF-style: chr2-163128843-C-T.
Other names: short protein forms G837S.
Identifiers: ClinVar variation 4789307 (VCV004789307.1).
Genomic context (GRCh38, chr2:162,272,333, plus strand): 5'-CTTTATACATCATCTTCTCTCGGAAATCATTAACTGTCTCATGTTCGATAACTCCTGAAC[C>T]ACTGTGAGCAACCAGGACGTAGGTGCTCTCATCAGCTCTGGCTCGACCACGGGCCTGAAA-3'
Protein context (NP_071451.2, residues 827-847): ESTYVLVAHS[Gly837Ser]SGVIEHETVN